The following is an entry in ClinVar:

ClinVar aggregate classification (germline): Uncertain significance (1 of 4 stars; one submission).

Conditions:
PCNT-related disorder. Also called: PCNT-related condition.

Allele frequency attached by ClinVar (database versions not stated): ExAC 0.00001.
gnomAD v4.1: 1 of 1,614,204 alleles (0.000062%); highest among the groups gnomAD compares: African/African-American, 0.0013%; no homozygotes.

Submission:

PreventionGenetics, part of Exact Sciences
Classification: Uncertain significance for PCNT-related condition. Last evaluated: 2023-04-18. Review status: criteria provided, single submitter. Criteria: ACMG Guidelines, 2015. Collection method: clinical testing. Allele origin: germline.
Comment: The PCNT c.6269A>G variant is predicted to result in the amino acid substitution p.Asp2090Gly. To our knowledge, this variant has not been reported in the literature or in a large population database, indicating this variant is rare. At this time, the clinical significance of this variant is uncertain due to the absence of conclusive functional and genetic evidence.

NM_006031.6(PCNT):c.6269A>G (p.Asp2090Gly)

Gene: PCNT (pericentrin; plus strand). Cytogenetic location: 21q22.3.
Variant type: single nucleotide variant.
Coding change: c.6269A>G on transcript NM_006031.6 (MANE Select); coding-DNA position 6269, A replaced by G.
Protein change: p.Asp2090Gly; replaces aspartic acid 2090 with glycine.
Molecular consequence: missense variant.
Genome position (GRCh38, 1-based): chr21:46,416,187, A>G. VCF-style: chr21-46416187-A-G. GRCh37 (hg19) VCF-style: chr21-47836101-A-G.
Other names: c.5915A>G, p.Asp1972Gly (NM_001315529.2); short protein forms D1972G, D2090G.
Identifiers: ClinVar variation 2628614 (VCV002628614.1), dbSNP rs767033341, ClinGen allele CA10080296.